The following is an entry in ClinVar:

ClinVar aggregate classification (germline): Uncertain significance (1 of 4 stars; one submission).

Conditions:
Nephronophthisis. Also called: Juvenile Nephronophthisis. Identifiers: Orphanet 655, MedGen C0687120, MONDO:0019005, HP:0000090.

Allele frequency attached by ClinVar (database versions not stated): gnomAD exomes below 0.00001.
gnomAD v4.1: 1 of 1,613,462 alleles (0.000062%); highest among the groups gnomAD compares: Non-Finnish European, 0.000085%; no homozygotes.

Submission:

Labcorp Genetics (formerly Invitae), Labcorp
Classification: Uncertain significance for Nephronophthisis. Last evaluated: 2022-08-21. Review status: criteria provided, single submitter. Criteria: Invitae Variant Classification Sherloc (09022015). Collection method: clinical testing. Allele origin: germline.
Comment: In summary, the available evidence is currently insufficient to determine the role of this variant in disease. Therefore, it has been classified as a Variant of Uncertain Significance. Algorithms developed to predict the effect of missense changes on protein structure and function (SIFT, PolyPhen-2, Align-GVGD) all suggest that this variant is likely to be tolerated. This variant has not been reported in the literature in individuals affected with NPHP4-related conditions. This variant is not present in population databases (gnomAD no frequency). This sequence change replaces glutamine, which is neutral and polar, with histidine, which is basic and polar, at codon 555 of the NPHP4 protein (p.Gln555His).

NM_015102.5(NPHP4):c.1665G>C (p.Gln555His)

Gene: NPHP4 (nephrocystin 4; minus strand). Cytogenetic location: 1p36.31.
Variant type: single nucleotide variant.
Coding change: c.1665G>C on transcript NM_015102.5 (MANE Select); coding-DNA position 1665, G replaced by C.
Protein change: p.Gln555His; replaces glutamine 555 with histidine.
Molecular consequence: missense variant. On other transcripts: non-coding transcript variant (1).
Genome position (GRCh38, 1-based): chr1:5,905,730, C>G on the plus strand (G>C on the coding strand, the complement: NPHP4 is on the minus strand). VCF-style: chr1-5905730-C-G. GRCh37 (hg19) VCF-style: chr1-5965790-C-G.
Other names: c.126G>C, p.Gln42His (NM_001291593.2); c.129G>C, p.Gln43His (NM_001291594.2); short protein forms Q555H, Q42H, Q43H.
Identifiers: ClinVar variation 1954572 (VCV001954572.5), dbSNP rs2521522035, ClinGen allele CA338055432.